The following is an entry in ClinVar:

NM_000474.4(TWIST1):c.587G>A (p.Trp196Ter)

Genes: TWIST1 (twist family bHLH transcription factor 1; minus strand), LOC129998021 (ATAC-STARR-seq lymphoblastoid active region 25682; plus strand). Cytogenetic location: 7p21.1.
Variant type: single nucleotide variant.
Coding change: c.587G>A on transcript NM_000474.4 (MANE Select); coding-DNA position 587, G replaced by A.
Protein change: p.Trp196Ter; replaces tryptophan 196 with a stop codon.
Molecular consequence: nonsense. On other transcripts: non-coding transcript variant (1).
Genome position (GRCh38, 1-based): chr7:19,116,735, C>T on the plus strand (G>A on the coding strand, the complement: TWIST1 is on the minus strand). VCF-style: chr7-19116735-C-T. GRCh37 (hg19) VCF-style: chr7-19156358-C-T.
Other names: short protein forms W196*.
Identifiers: ClinVar variation 1075291 (VCV001075291.10), dbSNP rs2115396414, ClinGen allele CA367015105.
Genomic context (GRCh38, chr7:19,116,735, plus strand): 5'-GTCTCCGGCCCTGCTGAGGGGGTGGGGGGCTCCGCCTGCTAGTGGGACGCGGACATGGAC[C>T]AGGCCCCCTCCATCCTCCAGACCGAGAAGGCGTAGCTGAGCCGCTCGTGAGCCACATAGC-3'

ClinVar aggregate classification (germline): Pathogenic (1 of 4 stars; one submission).

Conditions:
Saethre-Chotzen syndrome (SCS). Also called: ACROCEPHALY, SKULL ASYMMETRY, AND MILD SYNDACTYLY; ACS III; CHOTZEN SYNDROME. Identifiers: Orphanet 794, MedGen C0175699, MONDO:0007042, OMIM 101400.
TWIST1-related craniosynostosis (CRS1). Also called: CRANIOSYNOSTOSIS 1. Identifiers: Orphanet 63440, MedGen C4551902, MONDO:0007399, OMIM 123100. Inheritance: Heterogenous inheritance pattern.

Submission:

Labcorp Genetics (formerly Invitae), Labcorp
Classification: Pathogenic for TWIST1-related craniosynostosis; Saethre-Chotzen syndrome. Last evaluated: 2020-06-05. Review status: criteria provided, single submitter. Criteria: Invitae Variant Classification Sherloc (09022015). Collection method: clinical testing. Allele origin: germline.
Comment: This sequence change creates a premature translational stop signal (p.Trp196*) in the TWIST1 gene. It is expected to result in an absent or disrupted protein product. This variant is not present in population databases (ExAC no frequency). This variant has been observed in individual(s) with craniosynostosis (Invitae). Loss-of-function variants in TWIST1 are known to be pathogenic (PMID: 10749989). For these reasons, this variant has been classified as Pathogenic.

Literature cited by the submitters: PubMed 10749989.